The following is an entry in ClinVar:

NM_022041.4(GAN):c.1697G>A (p.Arg566His)

Gene: GAN (gigaxonin; plus strand). Cytogenetic location: 16q23.2.
Variant type: single nucleotide variant.
Coding change: c.1697G>A on transcript NM_022041.4 (MANE Select); coding-DNA position 1697, G replaced by A.
Protein change: p.Arg566His; replaces arginine 566 with histidine.
Molecular consequence: missense variant.
Genome position (GRCh38, 1-based): chr16:81,377,499, G>A. VCF-style: chr16-81377499-G-A. GRCh37 (hg19) VCF-style: chr16-81411104-G-A.
Other names: c.1058G>A, p.Arg353His (NM_001377486.1); short protein forms R353H, R566H.
Identifiers: ClinVar variation 2038467 (VCV002038467.4), dbSNP rs1444976281, ClinGen allele CA396892432.

ClinVar aggregate classification (germline): Uncertain significance (1 of 4 stars; one submission).

Conditions:
Giant axonal neuropathy 1 (GAN1). Also called: GIANT AXONAL NEUROPATHY 1, AUTOSOMAL RECESSIVE; GAN-Related Neurodegeneration. Identifiers: Orphanet 643, MedGen C1850386, MONDO:0009749, OMIM 256850.

Allele frequency attached by ClinVar (database versions not stated): gnomAD exomes below 0.00001; TOPMed 0.00001; gnomAD 0.00002.
gnomAD v4.1: 8 of 1,613,956 alleles (0.0005%); highest among the groups gnomAD compares: South Asian, 0.0033%; no homozygotes.

Submission:

Labcorp Genetics (formerly Invitae), Labcorp
Classification: Uncertain significance for Giant axonal neuropathy 1. Last evaluated: 2022-08-22. Review status: criteria provided, single submitter. Criteria: Invitae Variant Classification Sherloc (09022015). Collection method: clinical testing. Allele origin: germline.
Comment: In summary, the available evidence is currently insufficient to determine the role of this variant in disease. Therefore, it has been classified as a Variant of Uncertain Significance. Algorithms developed to predict the effect of missense changes on protein structure and function are either unavailable or do not agree on the potential impact of this missense change (SIFT: "Tolerated"; PolyPhen-2: "Possibly Damaging"; Align-GVGD: "Class C0"). This variant has not been reported in the literature in individuals affected with GAN-related conditions. This variant is present in population databases (no rsID available, gnomAD 0.01%). This sequence change replaces arginine, which is basic and polar, with histidine, which is basic and polar, at codon 566 of the GAN protein (p.Arg566His).